The following is an entry in ClinVar:

ClinVar aggregate classification (germline): Uncertain significance. Review status: criteria provided, multiple submitters, no conflicts (2 of 4 stars). 2 submissions from 2 submitters: Uncertain significance (2). Last evaluated 2026-02-13.

Conditions:
Hereditary cancer-predisposing syndrome. Also called: Neoplastic Syndromes, Hereditary; Tumor predisposition; Hereditary Cancer Syndrome; Hereditary neoplastic syndrome. Identifiers: Orphanet 140162, MedGen C0027672, MeSH D009386, MONDO:0015356.

Submissions (2):

Ambry Genetics
Classification: Uncertain significance for Hereditary cancer-predisposing syndrome. Last evaluated: 2026-02-13. Review status: criteria provided, single submitter. Criteria: Ambry Variant Classification Scheme 2023. Collection method: clinical testing. Allele origin: germline.
Comment: The p.H1491Y variant (also known as c.4471C>T), located in coding exon 35 of the POLE gene, results from a C to T substitution at nucleotide position 4471. The histidine at codon 1491 is replaced by tyrosine, an amino acid with similar properties. This amino acid position is highly conserved in available vertebrate species. In addition, the in silico prediction for this alteration is inconclusive. Based on the available evidence, the clinical significance of this variant remains unclear.

Labcorp Genetics (formerly Invitae), Labcorp
Classification: Uncertain significance. Last evaluated: 2023-02-05. Review status: criteria provided, single submitter. Criteria: Invitae Variant Classification Sherloc (09022015). Collection method: clinical testing. Allele origin: germline.
Comment: This sequence change replaces histidine, which is basic and polar, with tyrosine, which is neutral and polar, at codon 1491 of the POLE protein (p.His1491Tyr). This variant is not present in population databases (gnomAD no frequency). This variant has not been reported in the literature in individuals affected with POLE-related conditions. ClinVar contains an entry for this variant (Variation ID: 1431749). Advanced modeling of protein sequence and biophysical properties (such as structural, functional, and spatial information, amino acid conservation, physicochemical variation, residue mobility, and thermodynamic stability) performed at Invitae indicates that this missense variant is not expected to disrupt POLE protein function. In summary, the available evidence is currently insufficient to determine the role of this variant in disease. Therefore, it has been classified as a Variant of Uncertain Significance.

NM_006231.4(POLE):c.4471C>T (p.His1491Tyr)

Gene: POLE (DNA polymerase epsilon, catalytic subunit; minus strand). Cytogenetic location: 12q24.33.
Variant type: single nucleotide variant.
Coding change: c.4471C>T on transcript NM_006231.4 (MANE Select); coding-DNA position 4471, C replaced by T.
Protein change: p.His1491Tyr; replaces histidine 1491 with tyrosine.
Molecular consequence: missense variant.
Genome position (GRCh38, 1-based): chr12:132,643,304, G>A on the plus strand (C>T on the coding strand, the complement: POLE is on the minus strand). VCF-style: chr12-132643304-G-A. GRCh37 (hg19) VCF-style: chr12-133219890-G-A.
Other names: c.4471C>T (NM_006231.2); short protein forms H1491Y.
Identifiers: ClinVar variation 1431749 (VCV001431749.9), dbSNP rs2138547278, ClinGen allele CA387380712.